The following is an entry in ClinVar:

NM_198253.3(TERT):c.1738G>A (p.Val580Ile)

Gene: TERT (telomerase reverse transcriptase; minus strand). Cytogenetic location: 5p15.33.
Variant type: single nucleotide variant.
Coding change: c.1738G>A on transcript NM_198253.3 (MANE Select); coding-DNA position 1738, G replaced by A.
Protein change: p.Val580Ile; replaces valine 580 with isoleucine.
Molecular consequence: missense variant. On other transcripts: non-coding transcript variant (2).
Genome position (GRCh38, 1-based): chr5:1,282,460, C>T on the plus strand (G>A on the coding strand, the complement: TERT is on the minus strand). VCF-style: chr5-1282460-C-T. GRCh37 (hg19) VCF-style: chr5-1282575-C-T.
Other names: c.1738G>A, p.Val580Ile (NM_001193376.3); short protein forms V580I.
Identifiers: ClinVar variation 4794077 (VCV004794077.1).

ClinVar aggregate classification (germline): Uncertain significance (1 of 4 stars; one submission).

Conditions:
Dyskeratosis congenita, autosomal dominant 2. Identifiers: MedGen C3151443, MONDO:0013521, OMIM 613989.
Idiopathic Pulmonary Fibrosis. Also called: Idiopathic fibrosing alveolitis, chronic form; idiopathic fibrosing alveolitis. Identifiers: Orphanet 2032, MedGen C1800706, MeSH D054990, MONDO:0800504.

Submission:

Labcorp Genetics (formerly Invitae), Labcorp
Classification: Uncertain significance for Dyskeratosis congenita, autosomal dominant 2; Idiopathic Pulmonary Fibrosis. Last evaluated: 2025-04-14. Review status: criteria provided, single submitter. Criteria: Invitae Variant Classification Sherloc (09022015). Collection method: clinical testing. Allele origin: germline.
Comment: This sequence change replaces valine, which is neutral and non-polar, with isoleucine, which is neutral and non-polar, at codon 580 of the TERT protein (p.Val580Ile). This variant is not present in population databases (gnomAD no frequency). This variant has not been reported in the literature in individuals affected with TERT-related conditions. Invitae Evidence Modeling of protein sequence and biophysical properties (such as structural, functional, and spatial information, amino acid conservation, physicochemical variation, residue mobility, and thermodynamic stability) indicates that this missense variant is not expected to disrupt TERT protein function with a negative predictive value of 95%. In summary, the available evidence is currently insufficient to determine the role of this variant in disease. Therefore, it has been classified as a Variant of Uncertain Significance.